The following is an entry in ClinVar:

ClinVar aggregate classification (germline): Likely benign (1 of 4 stars; one submission).

Conditions:
HTT-related disorder. Also called: HTT-related condition.

Submission:

PreventionGenetics, part of Exact Sciences
Classification: Likely benign for HTT-related condition. Last evaluated: 2020-01-06. Review status: criteria provided, single submitter. Criteria: ACMG Guidelines, 2015. Collection method: clinical testing. Allele origin: germline.
Comment: This variant is classified as likely benign based on ACMG/AMP sequence variant interpretation guidelines (Richards et al. 2015 PMID: 25741868, with internal and published modifications).

NM_001388492.1(HTT):c.3816T>C (p.Asp1272=)

Gene: HTT (huntingtin; plus strand). Cytogenetic location: 4p16.3.
Variant type: single nucleotide variant.
Coding change: c.3816T>C on transcript NM_001388492.1 (MANE Select); coding-DNA position 3816, T replaced by C.
Protein change: p.Asp1272=; no amino-acid change (aspartic acid 1272 retained).
Molecular consequence: synonymous variant.
Genome position (GRCh38, 1-based): chr4:3,160,344, T>C. VCF-style: chr4-3160344-T-C. GRCh37 (hg19) VCF-style: chr4-3162071-T-C.
Other names: c.3822T>C, p.Asp1274= (NM_002111.8).
Identifiers: ClinVar variation 3037955 (VCV003037955.1), dbSNP rs2476086460, ClinGen allele CA438125261.